The following is an entry in ClinVar:

NM_001103.4(ACTN2):c.1089C>G (p.Ser363=)

Gene: ACTN2 (actinin alpha 2; plus strand). Cytogenetic location: 1q43.
Variant type: single nucleotide variant.
Coding change: c.1089C>G on transcript NM_001103.4 (MANE Select); coding-DNA position 1089, C replaced by G.
Protein change: p.Ser363=; no amino-acid change (serine 363 retained).
Molecular consequence: synonymous variant. On other transcripts: non-coding transcript variant (1).
Genome position (GRCh38, 1-based): chr1:236,739,514, C>G. VCF-style: chr1-236739514-C-G. GRCh37 (hg19) VCF-style: chr1-236902814-C-G.
Other names: c.1089C>G, p.Ser363= (NM_001278343.2); c.465C>G, p.Ser155= (NM_001278344.2); c.339C>G, p.Ser113= (NM_001412150.1).
Identifiers: ClinVar variation 2625131 (VCV002625131.6), dbSNP rs397516562, ClinGen allele CA424030598.

ClinVar aggregate classification (germline): Likely benign. Review status: criteria provided, multiple submitters, no conflicts (2 of 4 stars). 2 submissions from 2 submitters: Likely benign (2). Last evaluated 2026-03-01.

Conditions:
Cardiovascular phenotype. Identifiers: MedGen CN230736.

Submissions (2):

CeGaT Center for Human Genetics Tuebingen
Classification: Likely benign. Last evaluated: 2026-03-01. Review status: criteria provided, single submitter. Criteria: CeGaT Center For Human Genetics Tuebingen Variant Classification Criteria Version 2. Collection method: clinical testing. Allele origin: germline. Affected: yes. Observed: 1 variant allele.
Comment: ACTN2: PM2:Supporting, BP4, BP7

Ambry Genetics
Classification: Likely benign for Cardiovascular phenotype. Last evaluated: 2023-08-03. Review status: criteria provided, single submitter. Criteria: Ambry Variant Classification Scheme 2023. Collection method: clinical testing. Allele origin: germline.